The following is an entry in ClinVar:

ClinVar aggregate classification (germline): Uncertain significance. Review status: criteria provided, single submitter (1 of 4 stars). 2 submissions from 2 submitters: Uncertain significance (1). 1 of the submissions does not count toward it. Last evaluated 2017-05-05.

Conditions:
Usher syndrome type 1 (USH1). Also called: RETINITIS PIGMENTOSA AND CONGENITAL DEAFNESS. Identifiers: Orphanet 231169, Orphanet 886, MedGen C1568247, MONDO:0010168, OMIM 276900.

Allele frequency attached by ClinVar (database versions not stated): gnomAD exomes 0.00001; gnomAD 0.00003; ExAC 0.00003.
gnomAD v4.1: 21 of 1,296,928 alleles (0.0016%); highest among the groups gnomAD compares: Non-Finnish European, 0.0022%; no homozygotes.

Submissions (2):

GeneDx
Classification: Uncertain significance. Last evaluated: 2017-05-05. Review status: criteria provided, single submitter. Criteria: GeneDx Variant Classification (06012015). Collection method: clinical testing. Allele origin: germline. Affected: yes.
Comment: The A2685V variant in the CDH23 gene has not been reported previously as a pathogenic variant, nor as a benign variant, to our knowledge. The A2685V variant is observed in 3/52354 (0.0057%) alleles from individuals of European non-Finnish background in large population cohorts (Lek et al., 2016; 1000 Genomes Consortium et al., 2015; Exome Variant Server). The A2685V variant is a conservative amino acid substitution, which is not likely to impact secondary protein structure as these residues share similar properties. This substitution occurs at a position that is conserved across species. However, in silico analysis is inconsistent in its predictions as to whether or not the variant is damaging to the protein structure/function. We interpret A2685V as a variant of uncertain significance.

Natera, Inc.
Classification: Uncertain significance for Usher syndrome type 1. Last evaluated: 2019-10-28. Review status: no assertion criteria provided. Collection method: clinical testing. Allele origin: germline. Not counted in ClinVar's aggregate classification.

NM_022124.6(CDH23):c.8054C>T (p.Ala2685Val)

Genes: CDH23 (cadherin related 23; plus strand), LOC111982869 (Sharpr-MPRA regulatory region 2121; plus strand). Cytogenetic location: 10q22.1.
Variant type: single nucleotide variant.
Coding change: c.8054C>T on transcript NM_022124.6 (MANE Select); coding-DNA position 8054, C replaced by T.
Protein change: p.Ala2685Val; replaces alanine 2685 with valine.
Molecular consequence: missense variant.
Genome position (GRCh38, 1-based): chr10:71,805,987, C>T. VCF-style: chr10-71805987-C-T. GRCh37 (hg19) VCF-style: chr10-73565744-C-T.
Other names: c.1334C>T, p.Ala445Val (NM_001171933.1, NM_001171934.1); short protein forms A2685V, A445V.
Identifiers: ClinVar variation 429365 (VCV000429365.3), dbSNP rs750069887, ClinGen allele CA5546515.
Genomic context (GRCh38, chr10:71,805,987, plus strand): 5'-TCATCGACCCAATCAGCGGCCTCATCCAGACTGCTCAGCGCCTGGACCGCGAGTCGCAGG[C>T]GGTGTACAGCGTAAGGGCGGGGCCCGGTGCGAGGGGCGGGGTCTGGGGCGGGGCTTTCTT-3'
Protein context (NP_071407.4, residues 2675-2695): TAQRLDRESQ[Ala2685Val]VYSLILVASD